The following is an entry in ClinVar:

ClinVar aggregate classification (germline): Uncertain significance (1 of 4 stars; one submission).

Submission:

GeneDx
Classification: Uncertain significance. Last evaluated: 2024-08-08. Review status: criteria provided, single submitter. Criteria: GeneDx Variant Classification Process June 2021. Collection method: clinical testing. Allele origin: germline. Affected: yes.
Comment: In silico analysis indicates that this missense variant does not alter protein structure/function; Has not been previously published as pathogenic or benign to our knowledge

NM_000260.4(MYO7A):c.4394A>G (p.Lys1465Arg)

Gene: MYO7A (myosin VIIA; plus strand). Cytogenetic location: 11q13.5.
Variant type: single nucleotide variant.
Coding change: c.4394A>G on transcript NM_000260.4 (MANE Select); coding-DNA position 4394, A replaced by G.
Protein change: p.Lys1465Arg; replaces lysine 1465 with arginine.
Molecular consequence: missense variant.
Genome position (GRCh38, 1-based): chr11:77,197,551, A>G. VCF-style: chr11-77197551-A-G. GRCh37 (hg19) VCF-style: chr11-76908596-A-G.
Other names: c.4394A>G, p.Lys1465Arg (NM_001127180.2); c.4361A>G, p.Lys1454Arg (NM_001369365.1); short protein forms K1454R, K1465R.
Identifiers: ClinVar variation 3602865 (VCV003602865.1).